The following is an entry in ClinVar:

ClinVar aggregate classification (germline): Uncertain significance (1 of 4 stars; one submission).

gnomAD v4.1: 4 of 1,614,046 alleles (0.00025%); highest among the groups gnomAD compares: African/African-American, 0.0013%; no homozygotes.

Submission:

GeneDx
Classification: Uncertain significance. Last evaluated: 2024-07-10. Review status: criteria provided, single submitter. Criteria: GeneDx Variant Classification Process June 2021. Collection method: clinical testing. Allele origin: germline. Affected: yes.
Comment: Not observed at significant frequency in large population cohorts (gnomAD); In silico analysis supports that this missense variant has a deleterious effect on protein structure/function; Has not been previously published as pathogenic or benign to our knowledge

NM_004415.4(DSP):c.7463T>C (p.Ile2488Thr)

Gene: DSP (desmoplakin; plus strand). Cytogenetic location: 6p24.3.
Variant type: single nucleotide variant.
Coding change: c.7463T>C on transcript NM_004415.4 (MANE Select); coding-DNA position 7463, T replaced by C.
Protein change: p.Ile2488Thr; replaces isoleucine 2488 with threonine.
Molecular consequence: missense variant.
Genome position (GRCh38, 1-based): chr6:7,584,725, T>C. VCF-style: chr6-7584725-T-C. GRCh37 (hg19) VCF-style: chr6-7584958-T-C.
Other names: c.5666T>C, p.Ile1889Thr (NM_001008844.3); c.6134T>C, p.Ile2045Thr (NM_001319034.2); short protein forms I2488T, I2045T, I1889T.
Identifiers: ClinVar variation 3572815 (VCV003572815.1).
Genomic context (GRCh38, chr6:7,584,725, plus strand): 5'-TAGTTGACCCAGAAACCAATAAAGAAATGTCTGTTCAGGAGGCCTACAAGAAGGGCCTAA[T>C]TGATTATGAAACCTTCAAAGAACTGTGTGAGCAGGAATGTGAATGGGAAGAAATAACCAT-3'
Protein context (NP_004406.2, residues 2478-2498): SVQEAYKKGL[Ile2488Thr]DYETFKELCE